The following is an entry in ClinVar:

NM_032119.4(ADGRV1):c.12672del (p.Asn4225fs)

Gene: ADGRV1 (adhesion G protein-coupled receptor V1; plus strand). Cytogenetic location: 5q14.3.
Variant type: Deletion.
Coding change: c.12672del on transcript NM_032119.4 (MANE Select); coding-DNA position 12672, one base deleted (G; older notation c.12672delG).
Protein change: p.Asn4225fs; shifts the reading frame from asparagine 4225.
Molecular consequence: frameshift variant. On other transcripts: non-coding transcript variant (1).
Genome position (GRCh38, 1-based): chr5:90,778,432, G deleted. VCF-style (leftmost placement, unchanged base first): chr5-90778431-TG-T. GRCh37 (hg19) VCF-style: chr5-90074248-TG-T.
Other names: short protein forms N4225fs.
Identifiers: ClinVar variation 969027 (VCV000969027.8), dbSNP rs1758485358, ClinGen allele CA1139658961.

ClinVar aggregate classification (germline): Pathogenic (1 of 4 stars; one submission).

Submission:

Labcorp Genetics (formerly Invitae), Labcorp
Classification: Pathogenic. Last evaluated: 2022-10-17. Review status: criteria provided, single submitter. Criteria: Invitae Variant Classification Sherloc (09022015). Collection method: clinical testing. Allele origin: germline.
Comment: This sequence change creates a premature translational stop signal (p.Asn4225Thrfs*24) in the ADGRV1 gene. It is expected to result in an absent or disrupted protein product. Loss-of-function variants in ADGRV1 are known to be pathogenic (PMID: 19357117, 22135276, 22147658, 26226137, 30718709, 31047384, 32467589). This variant is not present in population databases (gnomAD no frequency). This variant has not been reported in the literature in individuals affected with ADGRV1-related conditions. ClinVar contains an entry for this variant (Variation ID: 969027). For these reasons, this variant has been classified as Pathogenic.

Literature cited by the submitters: PubMed 19357117; PubMed 22135276; PubMed 22147658; PubMed 26226137; PubMed 30718709; PubMed 31047384; PubMed 32467589.